The following is an entry in ClinVar:

ClinVar aggregate classification (germline): Uncertain significance (1 of 4 stars; one submission).

Conditions:
Retinoblastoma (RB1). Also called: RETINOBLASTOMA, SOMATIC. Identifiers: Orphanet 790, MedGen C0035335, MeSH D012175, MONDO:0008380, OMIM 180200, HP:0009919. Disease mechanism: loss of function. Inheritance: Both sporadic and heritable forms are tested..

Submission:

Labcorp Genetics (formerly Invitae), Labcorp
Classification: Uncertain significance for Retinoblastoma. Last evaluated: 2021-09-10. Review status: criteria provided, single submitter. Criteria: Invitae Variant Classification Sherloc (09022015). Collection method: clinical testing. Allele origin: germline.
Comment: This sequence change replaces valine with phenylalanine at codon 276 of the RB1 protein (p.Val276Phe). The valine residue is moderately conserved and there is a small physicochemical difference between valine and phenylalanine. This variant is not present in population databases (ExAC no frequency). This variant has not been reported in the literature in individuals affected with RB1-related conditions. Algorithms developed to predict the effect of missense changes on protein structure and function are either unavailable or do not agree on the potential impact of this missense change (SIFT: "Deleterious"; PolyPhen-2: "Benign"; Align-GVGD: "Class C0"). In summary, the available evidence is currently insufficient to determine the role of this variant in disease. Therefore, it has been classified as a Variant of Uncertain Significance.

NM_000321.3(RB1):c.826G>T (p.Val276Phe)

Gene: RB1 (RB transcriptional corepressor 1; plus strand). Cytogenetic location: 13q14.2.
Variant type: single nucleotide variant.
Coding change: c.826G>T on transcript NM_000321.3 (MANE Select); coding-DNA position 826, G replaced by T.
Protein change: p.Val276Phe; replaces valine 276 with phenylalanine.
Molecular consequence: missense variant.
Genome position (GRCh38, 1-based): chr13:48,362,922, G>T. VCF-style: chr13-48362922-G-T. GRCh37 (hg19) VCF-style: chr13-48937058-G-T.
Other names: short protein forms V276F.
Identifiers: ClinVar variation 1518121 (VCV001518121.6), dbSNP rs2138112665, ClinGen allele CA388159588.